The following is an entry in ClinVar:

NM_001291303.3(FAT4):c.4526G>A (p.Arg1509Gln)

Gene: FAT4 (FAT atypical cadherin 4; plus strand). Cytogenetic location: 4q28.1.
Variant type: single nucleotide variant.
Coding change: c.4526G>A on transcript NM_001291303.3 (MANE Select); coding-DNA position 4526, G replaced by A.
Protein change: p.Arg1509Gln; replaces arginine 1509 with glutamine.
Molecular consequence: missense variant.
Genome position (GRCh38, 1-based): chr4:125,320,937, G>A. VCF-style: chr4-125320937-G-A. GRCh37 (hg19) VCF-style: chr4-126242092-G-A.
Other names: c.4526G>A, p.Arg1509Gln (NM_001291285.3, NM_024582.6); short protein forms R1509Q.
Identifiers: ClinVar variation 624045 (VCV000624045.44), dbSNP rs776836295, ClinGen allele CA3072478.

ClinVar aggregate classification (germline): Uncertain significance. Review status: criteria provided, multiple submitters, no conflicts (2 of 4 stars). 2 submissions from 2 submitters: Uncertain significance (2). Last evaluated 2022-07-10.

Allele frequency attached by ClinVar (database versions not stated): gnomAD 0.00001; gnomAD exomes 0.00001; ExAC 0.00002; TOPMed 0.00002.
gnomAD v4.1: 21 of 1,614,028 alleles (0.0013%); highest among the groups gnomAD compares: Middle Eastern, 0.033%; no homozygotes.

Submissions (2):

Labcorp Genetics (formerly Invitae), Labcorp
Classification: Uncertain significance. Last evaluated: 2022-07-10. Review status: criteria provided, single submitter. Criteria: Invitae Variant Classification Sherloc (09022015). Collection method: clinical testing. Allele origin: germline.
Comment: This sequence change replaces arginine, which is basic and polar, with glutamine, which is neutral and polar, at codon 1509 of the FAT4 protein (p.Arg1509Gln). This variant is present in population databases (rs776836295, gnomAD 0.002%). This variant has not been reported in the literature in individuals affected with FAT4-related conditions. ClinVar contains an entry for this variant (Variation ID: 624045). Advanced modeling of protein sequence and biophysical properties (such as structural, functional, and spatial information, amino acid conservation, physicochemical variation, residue mobility, and thermodynamic stability) performed at Invitae indicates that this missense variant is not expected to disrupt FAT4 protein function. In summary, the available evidence is currently insufficient to determine the role of this variant in disease. Therefore, it has been classified as a Variant of Uncertain Significance.

CeGaT Center for Human Genetics Tuebingen
Classification: Uncertain significance. Last evaluated: 2018-05-01. Review status: criteria provided, single submitter. Criteria: CeGaT Center For Human Genetics Tuebingen Variant Classification Criteria Version 2. Collection method: clinical testing. Allele origin: germline. Affected: yes. Observed: 2 variant alleles.